The following is an entry in ClinVar:

NM_001286.5(CLCN6):c.532C>T (p.Arg178Trp)

Gene: CLCN6 (chloride voltage-gated channel 6; plus strand). Cytogenetic location: 1p36.22.
Variant type: single nucleotide variant.
Coding change: c.532C>T on transcript NM_001286.5 (MANE Select); coding-DNA position 532, C replaced by T.
Protein change: p.Arg178Trp; replaces arginine 178 with tryptophan.
Molecular consequence: missense variant. On other transcripts: non-coding transcript variant (1).
Genome position (GRCh38, 1-based): chr1:11,823,785, C>T. VCF-style: chr1-11823785-C-T. GRCh37 (hg19) VCF-style: chr1-11883842-C-T.
Other names: c.466C>T, p.Arg156Trp (NM_001256959.2); short protein forms R156W, R178W.
Identifiers: ClinVar variation 2975178 (VCV002975178.3), dbSNP rs373167140, ClinGen allele CA596118.

ClinVar aggregate classification (germline): Uncertain significance (1 of 4 stars; one submission).

Allele frequency attached by ClinVar (database versions not stated): gnomAD 0.00001; gnomAD exomes 0.00001; ExAC 0.00002; TOPMed 0.00002; ESP Exome Variant Server 0.00008.
gnomAD v4.1: 20 of 1,614,122 alleles (0.0012%); highest among the groups gnomAD compares: African/African-American, 0.0067%; no homozygotes.

Submission:

Labcorp Genetics (formerly Invitae), Labcorp
Classification: Uncertain significance. Last evaluated: 2024-04-24. Review status: criteria provided, single submitter. Criteria: Invitae Variant Classification Sherloc (09022015). Collection method: clinical testing. Allele origin: germline.
Comment: This sequence change replaces arginine, which is basic and polar, with tryptophan, which is neutral and slightly polar, at codon 178 of the CLCN6 protein (p.Arg178Trp). This variant is present in population databases (rs373167140, gnomAD 0.006%). This variant has not been reported in the literature in individuals affected with CLCN6-related conditions. An algorithm developed to predict the effect of missense changes on protein structure and function (PolyPhen-2) suggests that this variant is likely to be disruptive. In summary, the available evidence is currently insufficient to determine the role of this variant in disease. Therefore, it has been classified as a Variant of Uncertain Significance.